The following is an entry in ClinVar:

NC_000019.9:g.(?_1206913)_(1226646_?)dup

Gene: STK11 (serine/threonine kinase 11; plus strand). Cytogenetic location: 19p13.3.
Variant type: Duplication.
Identifiers: ClinVar variation 3248412 (VCV003248412.1).

ClinVar aggregate classification (germline): Uncertain significance (1 of 4 stars; one submission).

Conditions:
Peutz-Jeghers syndrome (PJS). Also called: POLYPOSIS, HAMARTOMATOUS INTESTINAL; POLYPS-AND-SPOTS SYNDROME; Peutz-Jeghers polyposis; Periorificial lentiginosis syndrome. Identifiers: Orphanet 2869, MedGen C0031269, MeSH D010580, MONDO:0008280, OMIM 175200.

Submission:

Labcorp Genetics (formerly Invitae), Labcorp
Classification: Uncertain significance for Peutz-Jeghers syndrome. Last evaluated: 2024-01-09. Review status: criteria provided, single submitter. Criteria: Invitae Variant Classification Sherloc (09022015). Collection method: clinical testing. Allele origin: unknown.
Comment: A copy number gain of the genomic region encompassing the full coding sequence of the STK11 gene has been identified. The boundaries of this event are unknown as they extend beyond the assayed region for this gene and therefore may encompass additional genes. As the precise location of this event is unknown, it may be in tandem or it may be located elsewhere in the genome. This variant has not been reported in the literature in individuals affected with STK11-related conditions. Experimental studies and prediction algorithms are not available or were not evaluated, and the functional significance of this variant is currently unknown. In summary, the available evidence is currently insufficient to determine the role of this variant in disease. Therefore, it has been classified as a Variant of Uncertain Significance.